The following is an entry in ClinVar:

ClinVar aggregate classification (germline): Pathogenic (1 of 4 stars; one submission).

Conditions:
Familial thoracic aortic aneurysm and aortic dissection (TAAD). Also called: Thoracic aortic aneurysms and dissections. Identifiers: Orphanet 91387, MedGen C4707243, MONDO:0019625.
Marfan syndrome (MFS). Also called: Marfan syndrome, classic; Marfan syndrome type 1; Marfan's syndrome; FBN1-Related Marfan Syndrome; MARFAN SYNDROME, TYPE I. Identifiers: Orphanet 284963, Orphanet 558, MedGen C0024796, MONDO:0007947, OMIM 154700.

Submission:

Labcorp Genetics (formerly Invitae), Labcorp
Classification: Pathogenic for Marfan syndrome; Familial thoracic aortic aneurysm and aortic dissection. Last evaluated: 2024-04-12. Review status: criteria provided, single submitter. Criteria: Invitae Variant Classification Sherloc (09022015). Collection method: clinical testing. Allele origin: germline.
Comment: This sequence change creates a premature translational stop signal (p.Gly1344Glufs*69) in the FBN1 gene. It is expected to result in an absent or disrupted protein product. Loss-of-function variants in FBN1 are known to be pathogenic (PMID: 17657824, 19293843). This variant is not present in population databases (gnomAD no frequency). This variant has not been reported in the literature in individuals affected with FBN1-related conditions. ClinVar contains an entry for this variant (Variation ID: 942379). For these reasons, this variant has been classified as Pathogenic.

Literature cited by the submitters: PubMed 17657824; PubMed 19293843.

NM_000138.5(FBN1):c.4029del (p.Gly1344fs)

Gene: FBN1 (fibrillin 1; minus strand). Cytogenetic location: 15q21.1.
Variant type: Deletion.
Coding change: c.4029del on transcript NM_000138.5 (MANE Select); coding-DNA position 4029, one base deleted (A; older notation c.4029delA).
Protein change: p.Gly1344fs; shifts the reading frame from glycine 1344.
Molecular consequence: frameshift variant.
Genome position (GRCh38, 1-based): chr15:48,474,586, T deleted on the plus strand (A on the coding strand, the reverse complement: FBN1 is on the minus strand). VCF-style (leftmost placement, unchanged base first): chr15-48474585-CT-C. GRCh37 (hg19) VCF-style: chr15-48766782-CT-C.
Other names: short protein forms G1344fs.
Identifiers: ClinVar variation 942379 (VCV000942379.7), dbSNP rs2043404761, ClinGen allele CA1139663890.